The following is an entry in ClinVar:

ClinVar aggregate classification (germline): Benign/Likely benign. Review status: criteria provided, multiple submitters, no conflicts (2 of 4 stars). 4 submissions from 4 submitters: Benign (2); Likely benign (2). Last evaluated 2026-05-01.

Conditions:
Mucopolysaccharidosis type 7 (MPS7). Also called: MPS VII; BETA-GLUCURONIDASE DEFICIENCY; GUSB DEFICIENCY; SLY SYNDROME. Identifiers: Orphanet 584, MedGen C0085132, MONDO:0009662, OMIM 253220.

Allele frequency attached by ClinVar (database versions not stated): gnomAD exomes 0.00021 and 0.00070; ExAC 0.00079; gnomAD 0.00236 and 0.00250; TOPMed 0.00289; 1000 Genomes Project 0.00339; ESP Exome Variant Server 0.00346; 1000 Genomes Project 30x 0.00375.
gnomAD v4.1: 676 of 1,612,018 alleles (0.042%); highest among the groups gnomAD compares: African/African-American, 0.81%; 3 homozygotes.

Submissions (4):

CeGaT Center for Human Genetics Tuebingen
Classification: Likely benign. Last evaluated: 2026-05-01. Review status: criteria provided, single submitter. Criteria: CeGaT Center For Human Genetics Tuebingen Variant Classification Criteria Version 2. Collection method: clinical testing. Allele origin: germline. Affected: yes. Observed: 1 variant allele.
Comment: GUSB: BP4

Labcorp Genetics (formerly Invitae), Labcorp
Classification: Benign for Mucopolysaccharidosis type 7. Last evaluated: 2026-01-28. Review status: criteria provided, single submitter. Criteria: Invitae Variant Classification Sherloc (09022015). Collection method: clinical testing. Allele origin: germline.

Blueprint Genetics
Classification: Likely benign. Last evaluated: 2024-03-11. Review status: criteria provided, single submitter. Criteria: ACMG Guidelines, 2015. Collection method: clinical testing. Allele origin: germline.

Breakthrough Genomics
Classification: Benign. Review status: criteria provided, single submitter. Criteria: ACMG Guidelines, 2015. Collection method: not provided. Allele origin: germline. Inheritance: Autosomal recessive inheritance. Affected: yes.

NM_000181.4(GUSB):c.1752G>A (p.Glu584=)

Gene: GUSB (glucuronidase beta; minus strand). Cytogenetic location: 7q11.21.
Variant type: single nucleotide variant.
Coding change: c.1752G>A on transcript NM_000181.4 (MANE Select); coding-DNA position 1752, G replaced by A.
Protein change: p.Glu584=; no amino-acid change (glutamic acid 584 retained).
Molecular consequence: synonymous variant. On other transcripts: non-coding transcript variant (1).
Genome position (GRCh38, 1-based): chr7:65,964,360, C>T on the plus strand (G>A on the coding strand, the complement: GUSB is on the minus strand). VCF-style: chr7-65964360-C-T. GRCh37 (hg19) VCF-style: chr7-65429347-C-T.
Other names: c.1314G>A, p.Glu438= (NM_001284290.2); c.1182G>A, p.Glu394= (NM_001293104.2); c.1095G>A, p.Glu365= (NM_001293105.2).
Identifiers: ClinVar variation 528233 (VCV000528233.15), dbSNP rs141430018, ClinGen allele CA4276194.